The following is an entry in ClinVar:

NM_018127.7(ELAC2):c.82C>T (p.Arg28Cys)

Gene: ELAC2 (elaC ribonuclease Z 2; minus strand). Cytogenetic location: 17p12.
Variant type: single nucleotide variant.
Coding change: c.82C>T on transcript NM_018127.7 (MANE Select); coding-DNA position 82, C replaced by T.
Protein change: p.Arg28Cys; replaces arginine 28 with cysteine.
Molecular consequence: missense variant.
Genome position (GRCh38, 1-based): chr17:13,017,866, G>A on the plus strand (C>T on the coding strand, the complement: ELAC2 is on the minus strand). VCF-style: chr17-13017866-G-A. GRCh37 (hg19) VCF-style: chr17-12921183-G-A.
Other names: c.82C>T, p.Arg28Cys (NM_001165962.2, NM_173717.2); short protein forms R28C.
Identifiers: ClinVar variation 474568 (VCV000474568.5), dbSNP rs763864314, ClinGen allele CA8401845.
Genomic context (GRCh38, chr17:13,017,866, plus strand): 5'-GTCCGCGCTTCTCTCGCGTGCGCAGGTGCCGCAGCGGGTCCTTGCGCGGCCGCTCGCGGC[G>A]GGCGGGTGCCTGCGATATGGTGCGTCCCTGCGACATGGTGCGTCCGGCCGCGGACCGCAG-3'
Protein context (NP_060597.4, residues 18-38): QGRTISQAPA[Arg28Cys]RERPRKDPLR

ClinVar aggregate classification (germline): Uncertain significance (1 of 4 stars; one submission).

Conditions:
Combined oxidative phosphorylation defect type 17. Also called: Combined oxidative phosphorylation deficiency 17. Identifiers: Orphanet 369913, MedGen C3809526, MONDO:0014190, OMIM 615440.

Allele frequency attached by ClinVar (database versions not stated): gnomAD 0.00001; ExAC 0.00005; TOPMed 0.00006; gnomAD exomes 0.00011.
gnomAD v4.1: 23 of 1,554,516 alleles (0.0015%); highest among the groups gnomAD compares: Admixed American, 0.042%; no homozygotes.

Submission:

Labcorp Genetics (formerly Invitae), Labcorp
Classification: Uncertain significance for Combined oxidative phosphorylation defect type 17. Last evaluated: 2022-08-04. Review status: criteria provided, single submitter. Criteria: Invitae Variant Classification Sherloc (09022015). Collection method: clinical testing. Allele origin: germline.
Comment: This sequence change replaces arginine, which is basic and polar, with cysteine, which is neutral and slightly polar, at codon 28 of the ELAC2 protein (p.Arg28Cys). This variant is present in population databases (rs763864314, gnomAD 0.06%). This variant has not been reported in the literature in individuals affected with ELAC2-related conditions. ClinVar contains an entry for this variant (Variation ID: 474568). Algorithms developed to predict the effect of missense changes on protein structure and function are either unavailable or do not agree on the potential impact of this missense change (SIFT: "Tolerated"; PolyPhen-2: "Probably Damaging"; Align-GVGD: "Class C0"). In summary, the available evidence is currently insufficient to determine the role of this variant in disease. Therefore, it has been classified as a Variant of Uncertain Significance.